The following is an entry in ClinVar:

ClinVar aggregate classification (germline): Uncertain significance (1 of 4 stars; one submission).

Conditions:
Catecholaminergic polymorphic ventricular tachycardia 1. Also called: VENTRICULAR TACHYCARDIA, CATECHOLAMINERGIC POLYMORPHIC, 1, WITH OR WITHOUT ATRIAL DYSFUNCTION AND/OR DILATED CARDIOMYOPATHY; RYR2-Related Catecholaminergic Polymorphic Ventricular Tachycardia; VENTRICULAR TACHYCARDIA, STRESS-INDUCED POLYMORPHIC 1. Identifiers: Orphanet 3286, MedGen C1631597, MONDO:0011484, OMIM 604772.

Submission:

Labcorp Genetics (formerly Invitae), Labcorp
Classification: Uncertain significance for Catecholaminergic polymorphic ventricular tachycardia 1. Last evaluated: 2023-07-10. Review status: criteria provided, single submitter. Criteria: Invitae Variant Classification Sherloc (09022015). Collection method: clinical testing. Allele origin: germline.
Comment: Advanced modeling of protein sequence and biophysical properties (such as structural, functional, and spatial information, amino acid conservation, physicochemical variation, residue mobility, and thermodynamic stability) performed at Invitae indicates that this missense variant is not expected to disrupt RYR2 protein function. In summary, the available evidence is currently insufficient to determine the role of this variant in disease. Therefore, it has been classified as a Variant of Uncertain Significance. This variant has not been reported in the literature in individuals affected with RYR2-related conditions. This sequence change replaces glutamine, which is neutral and polar, with arginine, which is basic and polar, at codon 4205 of the RYR2 protein (p.Gln4205Arg). This variant is not present in population databases (gnomAD no frequency).

NM_001035.3(RYR2):c.12614A>G (p.Gln4205Arg)

Genes: RYR2 (ryanodine receptor 2; plus strand), LOC126806068 (BRD4-independent group 4 enhancer GRCh37_chr1:237947411-237948610; plus strand). Cytogenetic location: 1q43.
Variant type: single nucleotide variant.
Coding change: c.12614A>G on transcript NM_001035.3 (MANE Select); coding-DNA position 12614, A replaced by G.
Protein change: p.Gln4205Arg; replaces glutamine 4205 with arginine.
Molecular consequence: missense variant.
Genome position (GRCh38, 1-based): chr1:237,784,326, A>G. VCF-style: chr1-237784326-A-G. GRCh37 (hg19) VCF-style: chr1-237947626-A-G.
Other names: short protein forms Q4205R.
Identifiers: ClinVar variation 2741368 (VCV002741368.3), dbSNP rs2527787977, ClinGen allele CA345413749.
Genomic context (GRCh38, chr1:237,784,326, plus strand): 5'-AGATGGAACTCTTTGTGAACTTCTGCGAGGACACCATCTTTGAAATGCAGCTGGCGGCTC[A>G]GATCTCGGAGTCGGACTTGAACGAGAGGTCAGCGAATAAGGAAGAAAGCGAGAAGGAGAG-3'
Protein context (NP_001026.2, residues 4195-4215): DTIFEMQLAA[Gln4205Arg]ISESDLNERS